The following is an entry in ClinVar:

NM_021620.4(PRDM13):c.1886C>G (p.Pro629Arg)

Genes: PRDM13 (PR/SET domain 13; plus strand), LOC129996882 (ATAC-STARR-seq lymphoblastoid silent region 17423; plus strand). Cytogenetic location: 6q16.2.
Variant type: single nucleotide variant.
Coding change: c.1886C>G on transcript NM_021620.4 (MANE Select); coding-DNA position 1886, C replaced by G.
Protein change: p.Pro629Arg; replaces proline 629 with arginine.
Molecular consequence: missense variant.
Genome position (GRCh38, 1-based): chr6:99,614,521, C>G. VCF-style: chr6-99614521-C-G. GRCh37 (hg19) VCF-style: chr6-100062397-C-G.
Other names: short protein forms P629R.
Identifiers: ClinVar variation 2973986 (VCV002973986.3), dbSNP rs778690412, ClinGen allele CA365122134.

ClinVar aggregate classification (germline): Uncertain significance (1 of 4 stars; one submission).

Submission:

Labcorp Genetics (formerly Invitae), Labcorp
Classification: Uncertain significance. Last evaluated: 2023-12-09. Review status: criteria provided, single submitter. Criteria: Invitae Variant Classification Sherloc (09022015). Collection method: clinical testing. Allele origin: germline.
Comment: This sequence change replaces proline, which is neutral and non-polar, with arginine, which is basic and polar, at codon 629 of the PRDM13 protein (p.Pro629Arg). This variant is not present in population databases (gnomAD no frequency). This variant has not been reported in the literature in individuals affected with PRDM13-related conditions. An algorithm developed to predict the effect of missense changes on protein structure and function (PolyPhen-2) suggests that this variant is likely to be disruptive. In summary, the available evidence is currently insufficient to determine the role of this variant in disease. Therefore, it has been classified as a Variant of Uncertain Significance.